The following is an entry in ClinVar:

NM_001377.3(DYNC2H1):c.1627C>T (p.Gln543Ter)

Gene: DYNC2H1 (dynein cytoplasmic 2 heavy chain 1; plus strand). Cytogenetic location: 11q22.3.
Variant type: single nucleotide variant.
Coding change: c.1627C>T on transcript NM_001377.3 (MANE Select); coding-DNA position 1627, C replaced by T.
Protein change: p.Gln543Ter; replaces glutamine 543 with a stop codon.
Molecular consequence: nonsense.
Genome position (GRCh38, 1-based): chr11:103,122,966, C>T. VCF-style: chr11-103122966-C-T. GRCh37 (hg19) VCF-style: chr11-102993695-C-T.
Other names: c.1627C>T, p.Gln543Ter (NM_001080463.2); short protein forms Q543*.
Identifiers: ClinVar variation 5014123 (VCV005014123.1).
Genomic context (GRCh38, chr11:103,122,966, plus strand): 5'-CTCTTAGACCAGCTTAAACTATATGAACAGGAACAATTTGATGATTGGTCCAGGGATATT[C>T]AATCAGGTTTATCTGATTCCAGATCTGGTTTGTGGTAAGTATAGATATATTAAACTGTAA-3'

ClinVar aggregate classification (germline): Pathogenic (1 of 4 stars; one submission).

Conditions:
Asphyxiating thoracic dystrophy 3. Also called: Saldino-Noonan Syndrome; SHORT-RIB THORACIC DYSPLASIA 3 WITH OR WITHOUT POLYDACTYLY; POLYDACTYLY WITH NEONATAL CHONDRODYSTROPHY, TYPE I; SHORT-RIB THORACIC DYSPLASIA 3/6 WITH POLYDACTYLY, DIGENIC; Short rib polydactyly syndrome 2B. Identifiers: Orphanet 474, Orphanet 93269, Orphanet 93270, Orphanet 93271, MedGen C0036069, MONDO:0013127, OMIM 613091.

Submission:

Myriad Genetics, Inc.
Classification: Pathogenic for Asphyxiating thoracic dystrophy 3. Last evaluated: 2025-02-21. Review status: criteria provided, single submitter. Criteria: Myriad Autosomal Dominant, Autosomal Recessive and X-Linked Classification Criteria (2023). Collection method: clinical testing. Allele origin: unknown.
Comment: NM_001377.2(DYNC2H1):c.1627C>T(Q543*) is expected to be pathogenic in the context of DYNC2H1-related disorders. This variant is predicted to lead to an abnormal or absent protein product due to the creation of a premature termination codon in DYNC2H1, a gene where loss-of-function variants are known to be pathogenic. Please note: this variant was assessed in the context of healthy population screening.